The following is an entry in ClinVar:

NM_001040716.2(PC):c.1103G>A (p.Arg368His)

Gene: PC (pyruvate carboxylase; minus strand). Cytogenetic location: 11q13.2.
Variant type: single nucleotide variant.
Coding change: c.1103G>A on transcript NM_001040716.2 (MANE Select); coding-DNA position 1103, G replaced by A.
Protein change: p.Arg368His; replaces arginine 368 with histidine.
Molecular consequence: missense variant.
Genome position (GRCh38, 1-based): chr11:66,866,269, C>T on the plus strand (G>A on the coding strand, the complement: PC is on the minus strand). VCF-style: chr11-66866269-C-T. GRCh37 (hg19) VCF-style: chr11-66633740-C-T.
Other names: c.1103G>A (NM_000920.3); c.1103G>A, p.Arg368His (NM_000920.4, NM_022172.3); short protein forms R368H.
Identifiers: ClinVar variation 2159189 (VCV002159189.7), dbSNP rs759168945, ClinGen allele CA6131982.
Genomic context (GRCh38, chr11:66,866,269, plus strand): 5'-TGGAAGCTGCGCGCGGGGTCCTCGGTGGTGACCCGGCACTGGATGGCACACCCGTTGATG[C>T]GGATGTTCTCCTGCCGCAGGCCCAGGTCGGGTAGGCTCCTGCCCTCAGCCACGTGGATCT-3'
Protein context (NP_001035806.1, residues 358-378): PDLGLRQENI[Arg368His]INGCAIQCRV

ClinVar aggregate classification (germline): Uncertain significance. Review status: criteria provided, multiple submitters, no conflicts (2 of 4 stars). 2 submissions from 2 submitters: Uncertain significance (2). Last evaluated 2022-03-19.

Conditions:
Pyruvate carboxylase deficiency. Also called: PC DEFICIENCY; Pyruvate Carboxylase Deficiency Disease; LEIGH NECROTIZING ENCEPHALOPATHY DUE TO PYRUVATE CARBOXYLASE DEFICIENCY; LEIGH SYNDROME DUE TO PYRUVATE CARBOXYLASE DEFICIENCY; ATAXIA WITH LACTIC ACIDOSIS II. Identifiers: Orphanet 3008, MedGen C0034341, MONDO:0009949, OMIM 266150.

Allele frequency attached by ClinVar (database versions not stated): TOPMed 0.00001; ExAC 0.00002.
gnomAD v4.1: 11 of 1,613,016 alleles (0.00068%); highest among the groups gnomAD compares: South Asian, 0.0011%; no homozygotes.

Submissions (2):

Labcorp Genetics (formerly Invitae), Labcorp
Classification: Uncertain significance for Pyruvate carboxylase deficiency. Last evaluated: 2022-03-19. Review status: criteria provided, single submitter. Criteria: Invitae Variant Classification Sherloc (09022015). Collection method: clinical testing. Allele origin: germline.
Comment: In summary, the available evidence is currently insufficient to determine the role of this variant in disease. Therefore, it has been classified as a Variant of Uncertain Significance. Algorithms developed to predict the effect of missense changes on protein structure and function (SIFT, PolyPhen-2, Align-GVGD) all suggest that this variant is likely to be tolerated. This variant has not been reported in the literature in individuals affected with PC-related conditions. This variant is present in population databases (rs759168945, gnomAD 0.0009%). This sequence change replaces arginine, which is basic and polar, with histidine, which is basic and polar, at codon 368 of the PC protein (p.Arg368His).

Revvity Omics, Revvity
Classification: Uncertain significance for Pyruvate carboxylase deficiency. Last evaluated: 2019-01-24. Review status: criteria provided, single submitter. Criteria: ACMG Guidelines, 2015. Collection method: clinical testing. Allele origin: germline.